The following is an entry in ClinVar:

NM_015466.4(PTPN23):c.3889-7C>T

Gene: PTPN23 (protein tyrosine phosphatase non-receptor type 23; plus strand). Cytogenetic location: 3p21.31.
Variant type: single nucleotide variant.
Coding change: c.3889-7C>T on transcript NM_015466.4 (MANE Select); 7 bases into the intron before coding-DNA position 3889, C replaced by T.
Molecular consequence: intron variant.
Genome position (GRCh38, 1-based): chr3:47,411,776, C>T. VCF-style: chr3-47411776-C-T. GRCh37 (hg19) VCF-style: chr3-47453266-C-T.
Other names: c.3889-7C>T (NM_015466.3); c.3511-7C>T (NM_001304482.2).
Identifiers: ClinVar variation 1575912 (VCV001575912.10), dbSNP rs772999569, ClinGen allele CA2366396.

ClinVar aggregate classification (germline): Likely benign. Review status: criteria provided, single submitter (1 of 4 stars). 2 submissions from 2 submitters: Likely benign (1). 1 of the submissions does not count toward it. Last evaluated 2025-03-11.

Conditions:
PTPN23-related disorder. Also called: PTPN23-related condition.

Allele frequency attached by ClinVar (database versions not stated): ExAC 0.00002; gnomAD exomes 0.00002 and 0.00005; TOPMed 0.00003; gnomAD 0.00004 and 0.00005.
gnomAD v4.1: 83 of 1,601,720 alleles (0.0052%); highest among the groups gnomAD compares: Non-Finnish European, 0.0064%; no homozygotes.

Submissions (2):

Labcorp Genetics (formerly Invitae), Labcorp
Classification: Likely benign. Last evaluated: 2025-03-11. Review status: criteria provided, single submitter. Criteria: Invitae Variant Classification Sherloc (09022015). Collection method: clinical testing. Allele origin: germline.

PreventionGenetics, part of Exact Sciences
Classification: Likely benign for PTPN23-related condition. Last evaluated: 2019-06-12. Review status: no assertion criteria provided. Collection method: clinical testing. Allele origin: germline. Not counted in ClinVar's aggregate classification.
Comment: This variant is classified as likely benign based on ACMG/AMP sequence variant interpretation guidelines (Richards et al. 2015 PMID: 25741868, with internal and published modifications).